The following is an entry in ClinVar:

NM_024577.4(SH3TC2):c.629T>C (p.Met210Thr)

Gene: SH3TC2 (SH3 domain and tetratricopeptide repeats 2; minus strand). Cytogenetic location: 5q32.
Variant type: single nucleotide variant.
Coding change: c.629T>C on transcript NM_024577.4 (MANE Select); coding-DNA position 629, T replaced by C.
Protein change: p.Met210Thr; replaces methionine 210 with threonine.
Molecular consequence: missense variant.
Genome position (GRCh38, 1-based): chr5:149,041,518, A>G on the plus strand (T>C on the coding strand, the complement: SH3TC2 is on the minus strand). VCF-style: chr5-149041518-A-G. GRCh37 (hg19) VCF-style: chr5-148421081-A-G.
Other names: short protein forms M210T.
Identifiers: ClinVar variation 658677 (VCV000658677.8), dbSNP rs1472681520, ClinGen allele CA361674565.
Genomic context (GRCh38, chr5:149,041,518, plus strand): 5'-ACCAGGCCCCGCTGACCTGTCACCAAAGACACGCCTTCCAACTCGGAGCCAGCTTCTGCC[A>G]TCTTCACTGAGATTAACTCATTCTTGCAAAGTGTCAAGCATTCCCCTTCCTTCTCGGCTG-3'
Protein context (NP_078853.2, residues 200-220): LCKNELISVK[Met210Thr]AEAGSELEGV

ClinVar aggregate classification (germline): Uncertain significance (1 of 4 stars; one submission).

Conditions:
Charcot-Marie-Tooth disease type 4. Also called: Charcot-Marie-Tooth, Type 4; Charcot-Marie-Tooth disease, type IV. Identifiers: Orphanet 64749, MedGen C4082197, MONDO:0018995.

Allele frequency attached by ClinVar (database versions not stated): gnomAD exomes below 0.00001; TOPMed below 0.00001; gnomAD 0.00001.
gnomAD v4.1: 3 of 1,614,076 alleles (0.00019%); highest among the groups gnomAD compares: East Asian, 0.0045%; no homozygotes.

Submission:

Labcorp Genetics (formerly Invitae), Labcorp
Classification: Uncertain significance for Charcot-Marie-Tooth disease type 4. Last evaluated: 2018-11-07. Review status: criteria provided, single submitter. Criteria: Invitae Variant Classification Sherloc (09022015). Collection method: clinical testing. Allele origin: germline.
Comment: In summary, the available evidence is currently insufficient to determine the role of this variant in disease. Therefore, it has been classified as a Variant of Uncertain Significance. Algorithms developed to predict the effect of missense changes on protein structure and function output the following: SIFT: "Tolerated"; PolyPhen-2: "Benign"; Align-GVGD: "Class C0". The threonine amino acid residue is found in multiple mammalian species, suggesting that this missense change does not adversely affect protein function. These predictions have not been confirmed by published functional studies and their clinical significance is uncertain. This variant has not been reported in the literature in individuals with SH3TC2-related disease. This variant is not present in population databases (ExAC no frequency). This sequence change replaces methionine with threonine at codon 210 of the SH3TC2 protein (p.Met210Thr). The methionine residue is weakly conserved and there is a moderate physicochemical difference between methionine and threonine.